The following is an entry in ClinVar:

ClinVar aggregate classification (germline): Uncertain significance. Review status: criteria provided, multiple submitters, no conflicts (2 of 4 stars). 2 submissions from 2 submitters: Uncertain significance (2). Last evaluated 2024-08-13.

Conditions:
Charcot-Marie-Tooth disease type 4. Also called: Charcot-Marie-Tooth, Type 4; Charcot-Marie-Tooth disease, type IV. Identifiers: Orphanet 64749, MedGen C4082197, MONDO:0018995.

Allele frequency attached by ClinVar (database versions not stated): gnomAD 0.00001; gnomAD exomes 0.00001; TOPMed 0.00001; ESP Exome Variant Server 0.00008.
gnomAD v4.1: 13 of 1,611,546 alleles (0.00081%); highest among the groups gnomAD compares: Admixed American, 0.0017%; no homozygotes.

Submissions (2):

Athena Diagnostics
Classification: Uncertain significance. Last evaluated: 2024-08-13. Review status: criteria provided, single submitter. Criteria: Athena Diagnostics Criteria. Collection method: clinical testing. Allele origin: unknown.
Comment: Available data are insufficient to determine the clinical significance of the variant at this time. The frequency of this variant in the general population is uninformative in assessment of its pathogenicity. Polyphen and MutationTaster predict this amino acid change may be benign.

Labcorp Genetics (formerly Invitae), Labcorp
Classification: Uncertain significance for Charcot-Marie-Tooth disease type 4. Last evaluated: 2022-05-13. Review status: criteria provided, single submitter. Criteria: Invitae Variant Classification Sherloc (09022015). Collection method: clinical testing. Allele origin: germline.
Comment: This sequence change replaces alanine, which is neutral and non-polar, with valine, which is neutral and non-polar, at codon 166 of the SBF2 protein (p.Ala166Val). This variant is present in population databases (rs137913031, gnomAD 0.003%). This variant has not been reported in the literature in individuals affected with SBF2-related conditions. Algorithms developed to predict the effect of missense changes on protein structure and function output the following: SIFT: "Tolerated"; PolyPhen-2: "Benign"; Align-GVGD: "Class C0". The valine amino acid residue is found in multiple mammalian species, which suggests that this missense change does not adversely affect protein function. In summary, the available evidence is currently insufficient to determine the role of this variant in disease. Therefore, it has been classified as a Variant of Uncertain Significance.

NM_030962.4(SBF2):c.497C>T (p.Ala166Val)

Gene: SBF2 (SET binding factor 2; minus strand). Cytogenetic location: 11p15.4.
Variant type: single nucleotide variant.
Coding change: c.497C>T on transcript NM_030962.4 (MANE Select); coding-DNA position 497, C replaced by T.
Protein change: p.Ala166Val; replaces alanine 166 with valine.
Molecular consequence: missense variant.
Genome position (GRCh38, 1-based): chr11:10,029,781, G>A on the plus strand (C>T on the coding strand, the complement: SBF2 is on the minus strand). VCF-style: chr11-10029781-G-A. GRCh37 (hg19) VCF-style: chr11-10051328-G-A.
Other names: c.497C>T, p.Ala166Val (NM_001386339.1, NM_001386342.1); short protein forms A166V.
Identifiers: ClinVar variation 2144351 (VCV002144351.2), dbSNP rs137913031, ClinGen allele CA217678347.